The following is an entry in ClinVar:

ClinVar aggregate classification (germline): Uncertain significance (1 of 4 stars; one submission).

Allele frequency attached by ClinVar (database versions not stated): gnomAD exomes below 0.00001; ExAC 0.00001; TOPMed 0.00001.
gnomAD v4.1: 8 of 1,596,378 alleles (0.0005%); highest among the groups gnomAD compares: South Asian, 0.0034%; no homozygotes.

Submission:

GeneDx
Classification: Uncertain significance. Last evaluated: 2023-09-19. Review status: criteria provided, single submitter. Criteria: GeneDx Variant Classification Process June 2021. Collection method: clinical testing. Allele origin: germline. Affected: yes.
Comment: In silico analysis supports that this missense variant has a deleterious effect on protein structure/function; Has not been previously published as pathogenic or benign to our knowledge

NM_007118.4(TRIO):c.8627G>A (p.Arg2876His)

Gene: TRIO (trio Rho guanine nucleotide exchange factor; plus strand). Cytogenetic location: 5p15.2.
Variant type: single nucleotide variant.
Coding change: c.8627G>A on transcript NM_007118.4 (MANE Select); coding-DNA position 8627, G replaced by A.
Protein change: p.Arg2876His; replaces arginine 2876 with histidine.
Molecular consequence: missense variant. On other transcripts: non-coding transcript variant (1).
Genome position (GRCh38, 1-based): chr5:14,507,136, G>A. VCF-style: chr5-14507136-G-A. GRCh37 (hg19) VCF-style: chr5-14507245-G-A.
Other names: short protein forms R2876H.
Identifiers: ClinVar variation 1810097 (VCV001810097.3), dbSNP rs781136104, ClinGen allele CA3207935.